The following is an entry in ClinVar:

NM_024685.4(BBS10):c.924G>T (p.Leu308Phe)

Gene: BBS10 (Bardet-Biedl syndrome 10; minus strand). Cytogenetic location: 12q21.2.
Variant type: single nucleotide variant.
Coding change: c.924G>T on transcript NM_024685.4 (MANE Select); coding-DNA position 924, G replaced by T.
Protein change: p.Leu308Phe; replaces leucine 308 with phenylalanine.
Molecular consequence: missense variant.
Genome position (GRCh38, 1-based): chr12:76,347,061, C>A on the plus strand (G>T on the coding strand, the complement: BBS10 is on the minus strand). VCF-style: chr12-76347061-C-A. GRCh37 (hg19) VCF-style: chr12-76740841-C-A.
Other names: short protein forms L308F.
Identifiers: ClinVar variation 2503454 (VCV002503454.3), dbSNP rs2540956341, ClinGen allele CA385813599.
Genomic context (GRCh38, chr12:76,347,061, plus strand): 5'-TATGCCATTCACCCCTGCATAATAACTAACTAAATCTGGTTGTTTCACACTAGATATGAG[C>A]AATTTTACATTCTGACTATGTAGATGTTTCATTATTGCTTTTGTCTTTTCCATAATCCAA-3'
Protein context (NP_078961.3, residues 298-318): MKHLHSQNVK[Leu308Phe]LISSVKQPDL

ClinVar aggregate classification (germline): Pathogenic/Likely pathogenic. Review status: criteria provided, multiple submitters, no conflicts (2 of 4 stars). 3 submissions from 3 submitters: Pathogenic (1); Likely pathogenic (1). 1 of the submissions does not count toward it. Last evaluated 2024-05-25.

Conditions:
Bardet-Biedl syndrome (BBS). Identifiers: Orphanet 110, MedGen C0752166, MONDO:0015229.
Bardet-Biedl syndrome 10 (BBS10). Identifiers: Orphanet 110, MedGen C1859568, MONDO:0014438, OMIM 615987.

Allele frequency attached by ClinVar (database versions not stated): gnomAD exomes below 0.00001.
gnomAD v4.1: 3 of 1,613,228 alleles (0.00019%); highest among the groups gnomAD compares: Non-Finnish European, 0.00025%; no homozygotes.

Submissions (3):

Fulgent Genetics
Classification: Likely pathogenic for Bardet-Biedl syndrome 10. Last evaluated: 2024-05-25. Review status: criteria provided, single submitter. Criteria: ACMG Guidelines, 2015. Collection method: clinical testing. Allele origin: germline.

Women's Health and Genetics/Laboratory Corporation of America, LabCorp
Classification: Pathogenic for Bardet-Biedl syndrome. Last evaluated: 2024-05-23. Review status: criteria provided, single submitter. Criteria: LabCorp Variant Classification Summary - May 2015. Collection method: clinical testing. Allele origin: germline.
Comment: Variant summary: BBS10 c.924G>T (p.Leu308Phe) results in a non-conservative amino acid change in the encoded protein sequence. Five of five in-silico tools predict a damaging effect of the variant on protein function. The variant was absent in 250400 control chromosomes. c.924G>T has been reported in the literature in multiple homozygous individuals affected with Bardet-Biedl Syndrome (Shaheen_2016). These data indicate that the variant is very likely to be associated with disease. The following publication has been ascertained in the context of this evaluation (PMID: 27894351). ClinVar contains an entry for this variant (Variation ID: 2503454). Based on the evidence outlined above, the variant was classified as pathogenic.

Clinical Laboratory Sciences Program (CLSP), King Saud bin Abdulaziz University for Health Sciences (KSAU-HS)
Classification: Likely pathogenic for Bardet-Biedl syndrome 10. Last evaluated: 2023-04-01. Review status: no assertion criteria provided. Collection method: clinical testing. Allele origin: germline. Affected: yes. Not counted in ClinVar's aggregate classification.

Literature cited by the submitters: PubMed 27894351 (cited by Women's Health and Genetics/Laboratory Corporation of America, LabCorp).